The following is an entry in ClinVar:

NM_012448.4(STAT5B):c.303C>A (p.Cys101Ter)

Gene: STAT5B (signal transducer and activator of transcription 5B; minus strand). Cytogenetic location: 17q21.2.
Variant type: single nucleotide variant.
Coding change: c.303C>A on transcript NM_012448.4 (MANE Select); coding-DNA position 303, C replaced by A.
Protein change: p.Cys101Ter; replaces cysteine 101 with a stop codon.
Molecular consequence: nonsense.
Genome position (GRCh38, 1-based): chr17:42,224,851, G>T on the plus strand (C>A on the coding strand, the complement: STAT5B is on the minus strand). VCF-style: chr17-42224851-G-T. GRCh37 (hg19) VCF-style: chr17-40376869-G-T.
Other names: short protein forms C101*.
Identifiers: ClinVar variation 2852676 (VCV002852676.3), dbSNP rs1156986606, ClinGen allele CA399590972.

ClinVar aggregate classification (germline): Pathogenic (1 of 4 stars; one submission).

Conditions:
Growth hormone insensitivity with immune dysregulation 1, autosomal recessive. Also called: GROWTH HORMONE INSENSITIVITY SYNDROME WITH IMMUNE DYSREGULATION 1, AUTOSOMAL RECESSIVE; GROWTH HORMONE INSENSITIVITY DUE TO POSTRECEPTOR DEFECT; LARON SYNDROME DUE TO POSTRECEPTOR DEFECT; Laron syndrome with immunodeficiency. Identifiers: Orphanet 220465, MedGen C5435698, MONDO:0100211, OMIM 245590.

Allele frequency attached by ClinVar (database versions not stated): gnomAD exomes below 0.00001.
gnomAD v4.1: 1 of 1,613,668 alleles (0.000062%); no homozygotes.

Submission:

Labcorp Genetics (formerly Invitae), Labcorp
Classification: Pathogenic for Growth hormone insensitivity with immune dysregulation 1, autosomal recessive. Last evaluated: 2023-04-12. Review status: criteria provided, single submitter. Criteria: Invitae Variant Classification Sherloc (09022015). Collection method: clinical testing. Allele origin: germline.
Comment: For these reasons, this variant has been classified as Pathogenic. This variant has not been reported in the literature in individuals affected with STAT5B-related conditions. This variant is present in population databases (no rsID available, gnomAD 0.01%). This sequence change creates a premature translational stop signal (p.Cys101*) in the STAT5B gene. It is expected to result in an absent or disrupted protein product. Loss-of-function variants in STAT5B are known to be pathogenic (PMID: 15827093).

Literature cited by the submitters: PubMed 15827093.